The following is an entry in ClinVar:

ClinVar aggregate classification (germline): Pathogenic (1 of 4 stars; one submission).

Submission:

GeneDx
Classification: Pathogenic. Last evaluated: 2015-04-15. Review status: criteria provided, single submitter. Criteria: GeneDx Variant Classification (06012015). Collection method: clinical testing. Allele origin: germline. Affected: yes.
Comment: The R172X nonsense variant in the GK gene is predicted to cause loss of normal protein function either through protein truncation or nonsense-mediated mRNA decay. Although this variant has not beenreported previously to our knowledge, we consider it to be pathogenic.

NM_001205019.2(GK):c.514C>T (p.Arg172Ter)

Gene: GK (glycerol kinase; plus strand). Cytogenetic location: Xp21.2.
Variant type: single nucleotide variant.
Coding change: c.514C>T on transcript NM_001205019.2 (MANE Select); coding-DNA position 514, C replaced by T.
Protein change: p.Arg172Ter; replaces arginine 172 with a stop codon.
Molecular consequence: nonsense.
Genome position (GRCh38, 1-based): chrX:30,694,499, C>T. VCF-style: chrX-30694499-C-T. GRCh37 (hg19) VCF-style: chrX-30712616-C-T.
Other names: c.514C>T, p.Arg172Ter (NM_000167.6, NM_001128127.3, NM_203391.4); short protein forms R172*.
Identifiers: ClinVar variation 379569 (VCV000379569.2), dbSNP rs1057520647, ClinGen allele CA16608420.